The following is an entry in ClinVar:

NM_000478.6(ALPL):c.400A>C (p.Thr134Pro)

Gene: ALPL (alkaline phosphatase, biomineralization associated; plus strand). Cytogenetic location: 1p36.12.
Variant type: single nucleotide variant.
Coding change: c.400A>C on transcript NM_000478.6 (MANE Select); coding-DNA position 400, A replaced by C.
Protein change: p.Thr134Pro; replaces threonine 134 with proline.
Molecular consequence: missense variant.
Genome position (GRCh38, 1-based): chr1:21,563,212, A>C. VCF-style: chr1-21563212-A-C. GRCh37 (hg19) VCF-style: chr1-21889705-A-C.
Other names: c.235A>C, p.Thr79Pro (NM_001127501.4); c.169A>C, p.Thr57Pro (NM_001177520.3); c.400A>C, p.Thr134Pro (NM_001369803.2, NM_001369804.2, NM_001369805.2); short protein forms T134P, T57P, T79P.
Identifiers: ClinVar variation 4974802 (VCV004974802.1).

ClinVar aggregate classification (germline): Likely pathogenic (1 of 4 stars; one submission).

Conditions:
Hypophosphatasia. Also called: Phosphoethanol-aminuria. Identifiers: Orphanet 436, MedGen C0020630, MeSH D007014, MONDO:0018570.

gnomAD v4.1: 350 of 1,613,804 alleles (0.022%); highest among the groups gnomAD compares: Non-Finnish European, 0.029%; no homozygotes.

Submission:

Genomenon, Inc
Classification: Likely pathogenic for Hypophosphatasia. Last evaluated: 2026-09-01. Review status: criteria provided, single submitter. Criteria: Genomenon Sequence Variant Interpretation Standards - Updated. Collection method: curation. Allele origin: germline. Affected: no.
Comment: ALPL p.Thr134Pro (c.400A>C) is a missense variant that changes the amino acid at codon 134 from Threonine to Proline. To our knowledge, this variant has not been reported in patients affected with an ALPL-related disorder in the published literature. At least one functional study has demonstrated a substantial alteration in protein function relative to the wild-type (PMID:32160374). It is absent or not present at a significant frequency in gnomAD. In conclusion, we classify ALPL p.Thr134Pro (c.400A>C) as a likely pathogenic variant.

Literature cited by the submitters: PubMed 32160374.